The following is an entry in ClinVar:

ClinVar aggregate classification (germline): Uncertain significance. Review status: criteria provided, multiple submitters, no conflicts (2 of 4 stars). 3 submissions from 3 submitters: Uncertain significance (3). Last evaluated 2025-12-24.

Conditions:
Cystic fibrosis (CF). Also called: MUCOVISCIDOSIS. Identifiers: Orphanet 586, MedGen C0010674, MONDO:0009061, OMIM 219700. Disease mechanism: loss of function.

Allele frequency attached by ClinVar (database versions not stated): gnomAD 0.00001; ESP Exome Variant Server 0.00008.
gnomAD v4.1: 1 of 1,613,820 alleles (0.000062%); highest among the groups gnomAD compares: Non-Finnish European, 0.000085%; no homozygotes.

Submissions (3):

Labcorp Genetics (formerly Invitae), Labcorp
Classification: Uncertain significance for Cystic fibrosis. Last evaluated: 2025-12-24. Review status: criteria provided, single submitter. Criteria: Invitae Variant Classification Sherloc (09022015). Collection method: clinical testing. Allele origin: germline.
Comment: This sequence change replaces glutamine, which is neutral and polar, with glutamic acid, which is acidic and polar, at codon 1330 of the CFTR protein (p.Gln1330Glu). This variant is present in population databases (rs375661578, gnomAD 0.007%). This missense change has been observed in individual(s) with clinical features of cystic fibrosis (PMID: 34782259). ClinVar contains an entry for this variant (Variation ID: 1163013). Invitae Evidence Modeling of protein sequence and biophysical properties (such as structural, functional, and spatial information, amino acid conservation, physicochemical variation, residue mobility, and thermodynamic stability) indicates that this missense variant is not expected to disrupt CFTR protein function with a negative predictive value of 80%. In summary, the available evidence is currently insufficient to determine the role of this variant in disease. Therefore, it has been classified as a Variant of Uncertain Significance.

Ambry Genetics
Classification: Uncertain significance for Cystic fibrosis. Last evaluated: 2023-11-17. Review status: criteria provided, single submitter. Criteria: Ambry Variant Classification Scheme 2023. Collection method: clinical testing. Allele origin: germline.
Comment: The p.Q1330E variant (also known as c.3988C>G), located in coding exon 25 of the CFTR gene, results from a C to G substitution at nucleotide position 3988. The glutamine at codon 1330 is replaced by glutamic acid, an amino acid with highly similar properties. This amino acid position is completely conserved on sequence alignment. In addition, the in silico prediction for this alteration is inconclusive. Since supporting evidence is limited at this time, the clinical significance of this alteration remains unclear.

Mayo Clinic Laboratories, Mayo Clinic
Classification: Uncertain significance. Last evaluated: 2020-11-10. Review status: criteria provided, single submitter. Criteria: ACMG Guidelines, 2015. Collection method: clinical testing. Allele origin: germline. Observed: 1 variant allele.

Literature cited by the submitters: PubMed 34782259 (cited by Labcorp Genetics (formerly Invitae), Labcorp).

NM_000492.4(CFTR):c.3988C>G (p.Gln1330Glu)

Gene: CFTR (CF transmembrane conductance regulator; plus strand). Cytogenetic location: 7q31.2.
Variant type: single nucleotide variant.
Coding change: c.3988C>G on transcript NM_000492.4 (MANE Select); coding-DNA position 3988, C replaced by G.
Protein change: p.Gln1330Glu; replaces glutamine 1330 with glutamic acid.
Molecular consequence: missense variant.
Genome position (GRCh38, 1-based): chr7:117,664,712, C>G. VCF-style: chr7-117664712-C-G. GRCh37 (hg19) VCF-style: chr7-117304766-C-G.
Other names: short protein forms Q1330E.
Identifiers: ClinVar variation 1163013 (VCV001163013.8), dbSNP rs375661578, ClinGen allele CA164960079.